The following is an entry in ClinVar:

NM_003244.4(TGIF1):c.521G>T (p.Cys174Phe)

Gene: TGIF1 (TGFB induced factor homeobox 1; plus strand). Cytogenetic location: 18p11.31.
Variant type: single nucleotide variant.
Coding change: c.521G>T on transcript NM_003244.4 (MANE Select); coding-DNA position 521, G replaced by T.
Protein change: p.Cys174Phe; replaces cysteine 174 with phenylalanine.
Molecular consequence: missense variant.
Genome position (GRCh38, 1-based): chr18:3,457,642, G>T. VCF-style: chr18-3457642-G-T. GRCh37 (hg19) VCF-style: chr18-3457640-G-T.
Other names: c.530G>T, p.Cys177Phe (NM_001278682.2); c.521G>T, p.Cys174Phe (NM_001278684.2, NM_173208.3); c.461G>T, p.Cys154Phe (NM_001278686.3, NM_001374396.1, NM_001374397.1 and 5 more transcripts); c.563G>T, p.Cys188Phe (NM_173207.4); short protein forms C154F, C174F, C177F, C188F.
Identifiers: ClinVar variation 2501990 (VCV002501990.1), dbSNP rs2049403511, ClinGen allele CA401723687.

ClinVar aggregate classification (germline): Uncertain significance (1 of 4 stars; one submission).

Allele frequency attached by ClinVar (database versions not stated): gnomAD exomes below 0.00001.
gnomAD v4.1: 2 of 1,614,196 alleles (0.00012%); highest among the groups gnomAD compares: Non-Finnish European, 0.00017%; no homozygotes.

Submission:

GeneDx
Classification: Uncertain significance. Last evaluated: 2022-11-07. Review status: criteria provided, single submitter. Criteria: GeneDx Variant Classification Process June 2021. Collection method: clinical testing. Allele origin: germline. Affected: yes.
Comment: Not observed at significant frequency in large population cohorts (gnomAD); In silico analysis supports that this missense variant has a deleterious effect on protein structure/function; Has not been previously published as pathogenic or benign to our knowledge